The following is an entry in ClinVar:

ClinVar aggregate classification (germline): Uncertain significance (1 of 4 stars; one submission).

Conditions:
PCNT-related disorder. Also called: PCNT-related condition.

gnomAD v4.1: 3 of 1,612,992 alleles (0.00019%); highest among the groups gnomAD compares: Non-Finnish European, 0.00025%; no homozygotes.

Submission:

PreventionGenetics, part of Exact Sciences
Classification: Uncertain significance for PCNT-related condition. Last evaluated: 2026-07-13. Review status: criteria provided, single submitter. Criteria: ACMG Guidelines, 2015. Collection method: clinical testing. Allele origin: germline.
Comment: The PCNT c.5563C>G variant is predicted to result in the amino acid substitution p.Arg1855Gly. To our knowledge, this variant has not been reported in association with PCNT-related disorders. This variant has not been reported in a large population database (gnomAD), indicating this variant is rare. At this time, the clinical significance of this variant is uncertain due to the absence of conclusive functional and genetic evidence.

NM_006031.6(PCNT):c.5563C>G (p.Arg1855Gly)

Gene: PCNT (pericentrin; plus strand). Cytogenetic location: 21q22.3.
Variant type: single nucleotide variant.
Coding change: c.5563C>G on transcript NM_006031.6 (MANE Select); coding-DNA position 5563, C replaced by G.
Protein change: p.Arg1855Gly; replaces arginine 1855 with glycine.
Molecular consequence: missense variant.
Genome position (GRCh38, 1-based): chr21:46,411,636, C>G. VCF-style: chr21-46411636-C-G. GRCh37 (hg19) VCF-style: chr21-47831550-C-G.
Other names: c.5209C>G, p.Arg1737Gly (NM_001315529.2); short protein forms R1737G, R1855G.
Identifiers: ClinVar variation 4991105 (VCV004991105.1).
Genomic context (GRCh38, chr21:46,411,636, plus strand): 5'-CTGGCTGAGCTGGAGCGCAATGTAGCCCTCAGGGAGGCTGAGGTCGAAGACATGGCCTCC[C>G]GGATCCAGGAGTTCGAAGCGGCCCTGAAAGCAAAGGAAGCGACGATTGCCGAGAGAAATT-3'
Protein context (NP_006022.3, residues 1845-1865): REAEVEDMAS[Arg1855Gly]IQEFEAALKA